The following is an entry in ClinVar:

ClinVar aggregate classification (germline): Uncertain significance (1 of 4 stars; one submission).

Conditions:
Jeune thoracic dystrophy. Also called: Short-rib thoracic dysplasia; Infantile thoracic dystrophy; Thoracic pelvic phalangeal dystrophy; Jeune's syndrome; Chondroectodermal dysplasia-like syndrome; Jeune syndrome. Identifiers: Orphanet 474, MedGen C0265275, MONDO:0018770.

gnomAD v4.1: 2 of 1,611,270 alleles (0.00012%); highest among the groups gnomAD compares: Middle Eastern, 0.016%; no homozygotes.

Submission:

Labcorp Genetics (formerly Invitae), Labcorp
Classification: Uncertain significance for Jeune thoracic dystrophy. Last evaluated: 2025-01-06. Review status: criteria provided, single submitter. Criteria: Invitae Variant Classification Sherloc (09022015). Collection method: clinical testing. Allele origin: germline.
Comment: This sequence change replaces isoleucine, which is neutral and non-polar, with methionine, which is neutral and non-polar, at codon 368 of the IFT80 protein (p.Ile368Met). This variant is not present in population databases (gnomAD no frequency). This variant has not been reported in the literature in individuals affected with IFT80-related conditions. ClinVar contains an entry for this variant (Variation ID: 1422586). Invitae Evidence Modeling of protein sequence and biophysical properties (such as structural, functional, and spatial information, amino acid conservation, physicochemical variation, residue mobility, and thermodynamic stability) indicates that this missense variant is not expected to disrupt IFT80 protein function with a negative predictive value of 80%. In summary, the available evidence is currently insufficient to determine the role of this variant in disease. Therefore, it has been classified as a Variant of Uncertain Significance.

NM_020800.3(IFT80):c.1104A>G (p.Ile368Met)

Genes: TRIM59-IFT80 (TRIM59-IFT80 readthrough (NMD candidate); minus strand), IFT80 (intraflagellar transport 80; minus strand). Cytogenetic location: 3q25.33.
Variant type: single nucleotide variant.
Coding change: c.1104A>G on transcript NM_020800.3 (MANE Select); coding-DNA position 1104, A replaced by G.
Protein change: p.Ile368Met; replaces isoleucine 368 with methionine.
Molecular consequence: missense variant. On other transcripts: non-coding transcript variant (3).
Genome position (GRCh38, 1-based): chr3:160,303,962, T>C on the plus strand (A>G on the coding strand, the complement: IFT80 is on the minus strand). VCF-style: chr3-160303962-T-C. GRCh37 (hg19) VCF-style: chr3-160021750-T-C.
Other names: c.693A>G, p.Ile231Met (NM_001190241.2, NM_001190242.2); short protein forms I231M, I368M.
Identifiers: ClinVar variation 1422586 (VCV001422586.6), dbSNP rs369114064, ClinGen allele CA355193954.